The following is an entry in ClinVar:

ClinVar aggregate classification (germline): Benign/Likely benign. Review status: criteria provided, multiple submitters, no conflicts (2 of 4 stars). 7 submissions from 7 submitters: Benign (2); Likely benign (5). Last evaluated 2026-04-17.

Conditions:
DICER1-related tumor predisposition. Also called: DICER1-related pleuropulmonary blastoma cancer predisposition syndrome; DICER1 syndrome. Identifiers: Orphanet 284343, MedGen C3839822, MONDO:0100216.
DICER1-related disorder. Also called: DICER1-related condition.
Hereditary cancer-predisposing syndrome. Also called: Hereditary Cancer Syndrome; Tumor predisposition; Neoplastic Syndromes, Hereditary; Hereditary neoplastic syndrome. Identifiers: Orphanet 140162, MedGen C0027672, MeSH D009386, MONDO:0015356.

Allele frequency attached by ClinVar (database versions not stated): ExAC 0.00001; gnomAD 0.00004 and 0.00003; gnomAD exomes 0.00005 and 0.00003; TOPMed 0.00004.

Submissions (8):

Myriad Genetics, Inc.
Classification: Benign for DICER1-related tumor predisposition. Last evaluated: 2026-04-17. Review status: criteria provided, single submitter. Criteria: Myriad Autosomal Dominant, Autosomal Recessive and X-Linked Classification Criteria (2023). Collection method: clinical testing. Allele origin: unknown.
Comment: This variant is considered benign. This variant is a silent/synonymous amino acid change and it is not expected to impact splicing.

PreventionGenetics, part of Exact Sciences
Classification: Likely benign for DICER1-related condition. Last evaluated: 2026-03-02. Review status: criteria provided, single submitter. Criteria: ACMG Guidelines, 2015. Collection method: clinical testing. Allele origin: germline.
Comment: This variant is classified as likely benign based on ACMG/AMP sequence variant interpretation guidelines (Richards et al. 2015 PMID: 25741868, with internal and published modifications).

Labcorp Genetics (formerly Invitae), Labcorp
Classification: Likely benign for DICER1-related tumor predisposition. Last evaluated: 2026-01-04. Review status: criteria provided, single submitter. Criteria: Invitae Variant Classification Sherloc (09022015). Collection method: clinical testing. Allele origin: germline.

Quest Diagnostics Nichols Institute San Juan Capistrano
Classification: Benign. Last evaluated: 2025-10-31. Review status: criteria provided, single submitter. Criteria: Quest Diagnostics criteria. Collection method: clinical testing. Allele origin: unknown.

Hereditary Cancer Group, L’Institut d'Investigació Biomèdica de Bellvitge
Classification: Likely benign for Hereditary cancer-predisposing syndrome. Last evaluated: 2024-12-19. Review status: criteria provided, single submitter. Criteria: Hatton et al. (Hum Mutat. 2023). Collection method: clinical testing. Allele origin: germline. Inheritance: Autosomal dominant inheritance. Affected: yes.
Comment: BP4, BP7

Sema4
Classification: Likely benign for Hereditary cancer-predisposing syndrome. Last evaluated: 2020-11-29. Review status: criteria provided, single submitter. Criteria: Sema4 Curation Guidelines. Collection method: curation. Allele origin: germline.

Ambry Genetics
Classification: Likely benign for Hereditary cancer-predisposing syndrome. Last evaluated: 2017-07-07. Review status: criteria provided, single submitter. Criteria: Ambry Variant Classification Scheme 2023. Collection method: clinical testing. Allele origin: germline.

Dr. Peter K. Rogan Lab, Western University
No classification provided (evidence only). Condition: Familial prostate cancer. Review status: no classification provided. Collection method: in vitro. Allele origin: not applicable. Functional consequence: retained intron. Not counted in ClinVar's aggregate classification.

NM_177438.3(DICER1):c.3237C>T (p.Gly1079=)

Gene: DICER1 (dicer 1, ribonuclease III; minus strand). Cytogenetic location: 14q32.13.
Variant type: single nucleotide variant.
Coding change: c.3237C>T on transcript NM_177438.3 (MANE Select); coding-DNA position 3237, C replaced by T.
Protein change: p.Gly1079=; no amino-acid change (glycine 1079 retained).
Molecular consequence: synonymous variant.
Genome position (GRCh38, 1-based): chr14:95,105,103, G>A on the plus strand (C>T on the coding strand, the complement: DICER1 is on the minus strand). VCF-style: chr14-95105103-G-A. GRCh37 (hg19) VCF-style: chr14-95571440-G-A.
Other names: c.3237C>T, p.Gly1079= (NM_001195573.1, NM_001271282.3, NM_001291628.2 and 1 more transcripts).
Identifiers: ClinVar variation 412035 (VCV000412035.22), dbSNP rs764827361, ClinGen allele CA7331081.